The following is an entry in ClinVar:

NM_015665.6(AAAS):c.557C>G (p.Pro186Arg)

Gene: AAAS (aladin WD repeat nucleoporin; minus strand). Cytogenetic location: 12q13.13.
Variant type: single nucleotide variant.
Coding change: c.557C>G on transcript NM_015665.6 (MANE Select); coding-DNA position 557, C replaced by G.
Protein change: p.Pro186Arg; replaces proline 186 with arginine.
Molecular consequence: missense variant.
Genome position (GRCh38, 1-based): chr12:53,314,430, G>C on the plus strand (C>G on the coding strand, the complement: AAAS is on the minus strand). VCF-style: chr12-53314430-G-C. GRCh37 (hg19) VCF-style: chr12-53708214-G-C.
Other names: c.458C>G, p.Pro153Arg (NM_001173466.2); short protein forms P186R, P153R.
Identifiers: ClinVar variation 2978614 (VCV002978614.3), dbSNP rs1308709413, ClinGen allele CA385043383.

ClinVar aggregate classification (germline): Uncertain significance (1 of 4 stars; one submission).

Allele frequency attached by ClinVar (database versions not stated): gnomAD exomes 0.00003; gnomAD 0.00021; TOPMed 0.00033.
gnomAD v4.1: 46 of 1,613,994 alleles (0.0029%); highest among the groups gnomAD compares: Admixed American, 0.077%; no homozygotes.

Submission:

Labcorp Genetics (formerly Invitae), Labcorp
Classification: Uncertain significance. Last evaluated: 2023-08-16. Review status: criteria provided, single submitter. Criteria: Invitae Variant Classification Sherloc (09022015). Collection method: clinical testing. Allele origin: germline.
Comment: This sequence change replaces proline, which is neutral and non-polar, with arginine, which is basic and polar, at codon 186 of the AAAS protein (p.Pro186Arg). This variant is present in population databases (no rsID available, gnomAD 0.05%). In summary, the available evidence is currently insufficient to determine the role of this variant in disease. Therefore, it has been classified as a Variant of Uncertain Significance. Advanced modeling of protein sequence and biophysical properties (such as structural, functional, and spatial information, amino acid conservation, physicochemical variation, residue mobility, and thermodynamic stability) performed at Invitae indicates that this missense variant is expected to disrupt AAAS protein function. This variant has not been reported in the literature in individuals affected with AAAS-related conditions.